The following is an entry in ClinVar:

NM_005045.4(RELN):c.9714C>T (p.His3238=)

Genes: SLC26A5-AS1 (SLC26A5 antisense RNA 1; plus strand), RELN (reelin; minus strand), LOC126860130 (BRD4-independent group 4 enhancer GRCh37_chr7:103130126-103131325; plus strand). Cytogenetic location: 7q22.1.
Variant type: single nucleotide variant.
Coding change: c.9714C>T on transcript NM_005045.4 (MANE Select); coding-DNA position 9714, C replaced by T.
Protein change: p.His3238=; no amino-acid change (histidine 3238 retained).
Molecular consequence: synonymous variant.
Genome position (GRCh38, 1-based): chr7:103,489,791, G>A on the plus strand (C>T on the coding strand, the complement: RELN is on the minus strand). VCF-style: chr7-103489791-G-A. GRCh37 (hg19) VCF-style: chr7-103130238-G-A.
Other names: c.9714C>T, p.His3238= (NM_173054.3).
Identifiers: ClinVar variation 130145 (VCV000130145.25), dbSNP rs78218774, ClinGen allele CA154947.

ClinVar aggregate classification (germline): Benign. Review status: criteria provided, multiple submitters, no conflicts (2 of 4 stars). 7 submissions from 7 submitters: Benign (4). 3 of the submissions do not count toward it. Last evaluated 2026-02-03.

Conditions:
Norman-Roberts syndrome (LIS2). Also called: Lissencephaly 2 (Norman-Roberts type). Identifiers: Orphanet 89844, MedGen C0796089, MONDO:0009760, OMIM 257320.
Familial temporal lobe epilepsy 7. Identifiers: Orphanet 101046, MedGen C4225327, MONDO:0014639, OMIM 616436.

Allele frequency attached by ClinVar (database versions not stated): gnomAD exomes 0.00295; ExAC 0.00377; gnomAD 0.01069 and 0.01139; TOPMed 0.01221; ESP Exome Variant Server 0.01246; 1000 Genomes Project 0.01458; 1000 Genomes Project 30x 0.01733.
gnomAD v4.1: 3,208 of 1,614,140 alleles (0.2%); highest among the groups gnomAD compares: African/African-American, 3.7%; 51 homozygotes.

Submissions (7):

Labcorp Genetics (formerly Invitae), Labcorp
Classification: Benign for Familial temporal lobe epilepsy 7; Norman-Roberts syndrome. Last evaluated: 2026-02-03. Review status: criteria provided, single submitter. Criteria: Invitae Variant Classification Sherloc (09022015). Collection method: clinical testing. Allele origin: germline.

Illumina Laboratory Services, Illumina
Classification: Benign for Norman-Roberts syndrome. Last evaluated: 2018-01-12. Review status: criteria provided, single submitter. Criteria: ICSL Variant Classification Criteria 13 December 2019. Collection method: clinical testing. Allele origin: germline.
Comment: This variant was observed in the ICSL laboratory as part of a predisposition screen in an ostensibly healthy population. It had not been previously curated by ICSL or reported in the Human Gene Mutation Database (HGMD: prior to June 1st, 2018), and was therefore a candidate for classification through an automated scoring system. Utilizing variant allele frequency, disease prevalence and penetrance estimates, and inheritance mode, an automated score was calculated to assess if this variant is too frequent to cause the disease. Based on the score and internal cut-off values, a variant classified as benign is not then subjected to further curation. The score for this variant resulted in a classification of benign for this disease.

GeneDx
Classification: Benign. Last evaluated: 2015-03-03. Review status: criteria provided, single submitter. Criteria: GeneDx Variant Classification Process June 2021. Collection method: clinical testing. Allele origin: germline. Affected: yes.

Breakthrough Genomics
Classification: Benign. Review status: criteria provided, single submitter. Criteria: ACMG Guidelines, 2015. Collection method: not provided. Allele origin: germline. Inheritance: Autosomal recessive inheritance. Affected: yes.

Clinical Genetics DNA and cytogenetics Diagnostics Lab, Erasmus MC, Erasmus Medical Center
Classification: Likely benign. Review status: no assertion criteria provided. Collection method: clinical testing. Allele origin: germline. Affected: yes. Study: VKGL Data-share Consensus. Not counted in ClinVar's aggregate classification.

Clinical Genetics, Academic Medical Center
Classification: Benign. Review status: no assertion criteria provided. Collection method: clinical testing. Allele origin: germline. Affected: yes. Study: VKGL Data-share Consensus. Not counted in ClinVar's aggregate classification.

Genetic Services Laboratory, University of Chicago
Classification: Likely benign for AllHighlyPenetrant. Review status: no assertion criteria provided. Collection method: clinical testing. Allele origin: germline. Inheritance: Autosomal recessive inheritance. Not counted in ClinVar's aggregate classification.
Comment: Likely benign based on allele frequency in 1000 Genomes Project or ESP global frequency and its presence in a patient with a rare or unrelated disease phenotype. NOT Sanger confirmed.